The following is an entry in ClinVar:

NM_001931.5(DLAT):c.1040C>G (p.Thr347Ser)

Gene: DLAT (dihydrolipoamide S-acetyltransferase; plus strand). Cytogenetic location: 11q23.1.
Variant type: single nucleotide variant.
Coding change: c.1040C>G on transcript NM_001931.5 (MANE Select); coding-DNA position 1040, C replaced by G.
Protein change: p.Thr347Ser; replaces threonine 347 with serine.
Molecular consequence: missense variant. On other transcripts: non-coding transcript variant (1).
Genome position (GRCh38, 1-based): chr11:112,039,308, C>G. VCF-style: chr11-112039308-C-G. GRCh37 (hg19) VCF-style: chr11-111910032-C-G.
Other names: c.1040C>G, p.Thr347Ser (NM_001372031.1, NM_001372032.1, NM_001372033.1 and 1 more transcripts); c.1007C>G, p.Thr336Ser (NM_001372034.1); c.914C>G, p.Thr305Ser (NM_001372036.1); c.872C>G, p.Thr291Ser (NM_001372037.1); c.761C>G, p.Thr254Ser (NM_001372038.1); c.725C>G, p.Thr242Ser (NM_001372039.1, NM_001372041.1); c.659C>G, p.Thr220Ser (NM_001372040.1); c.578C>G, p.Thr193Ser (NM_001372042.1); and 1 more; short protein forms T193S, T220S, T242S, T254S, T291S, T305S, T336S, T347S.
Identifiers: ClinVar variation 1053589 (VCV001053589.12), dbSNP rs982032675, ClinGen allele CA228549887.

ClinVar aggregate classification (germline): Uncertain significance. Review status: criteria provided, multiple submitters, no conflicts (2 of 4 stars). 3 submissions from 3 submitters: Uncertain significance (3). Last evaluated 2026-03-01.

Conditions:
Inborn genetic diseases. Identifiers: MedGen C0950123, MeSH D030342.
Pyruvate dehydrogenase E2 deficiency (PDHDD). Also called: Dihydrolipoamide Acetyltransferase (E2) Deficiency; LACTIC ACIDEMIA DUE TO DEFECT OF E2 LIPOYL TRANSACETYLASE OF THE PYRUVATE DEHYDROGENASE COMPLEX. Identifiers: Orphanet 765, Orphanet 79244, MedGen C1855565, MONDO:0009502, OMIM 245348.

Allele frequency attached by ClinVar (database versions not stated): gnomAD exomes below 0.00001 and 0.00001.
gnomAD v4.1: 4 of 1,614,134 alleles (0.00025%); highest among the groups gnomAD compares: Middle Eastern, 0.016%; no homozygotes.

Submissions (3):

CeGaT Center for Human Genetics Tuebingen
Classification: Uncertain significance. Last evaluated: 2026-03-01. Review status: criteria provided, single submitter. Criteria: CeGaT Center For Human Genetics Tuebingen Variant Classification Criteria Version 2. Collection method: clinical testing. Allele origin: germline. Affected: yes. Observed: 1 variant allele.
Comment: DLAT: PM2, BP4

Ambry Genetics
Classification: Uncertain significance for Inborn genetic diseases. Last evaluated: 2025-01-16. Review status: criteria provided, single submitter. Criteria: Ambry Variant Classification Scheme 2023. Collection method: clinical testing. Allele origin: germline.

Labcorp Genetics (formerly Invitae), Labcorp
Classification: Uncertain significance for Pyruvate dehydrogenase E2 deficiency. Last evaluated: 2021-11-05. Review status: criteria provided, single submitter. Criteria: Invitae Variant Classification Sherloc (09022015). Collection method: clinical testing. Allele origin: germline.
Comment: In summary, the available evidence is currently insufficient to determine the role of this variant in disease. Therefore, it has been classified as a Variant of Uncertain Significance. Advanced modeling of protein sequence and biophysical properties (such as structural, functional, and spatial information, amino acid conservation, physicochemical variation, residue mobility, and thermodynamic stability) performed at Invitae indicates that this missense variant is not expected to disrupt DLAT protein function. ClinVar contains an entry for this variant (Variation ID: 1053589). This sequence change replaces threonine, which is neutral and polar, with serine, which is neutral and polar, at codon 347 of the DLAT protein (p.Thr347Ser). This variant has not been reported in the literature in individuals affected with DLAT-related conditions. This variant is present in population databases (no rsID available, gnomAD no frequency).